The following is an entry in ClinVar:

ClinVar aggregate classification (germline): Uncertain significance (1 of 4 stars; one submission).

Submission:

GeneDx
Classification: Uncertain significance. Last evaluated: 2026-03-19. Review status: criteria provided, single submitter. Criteria: GeneDx Variant Classification Process June 2021. Collection method: clinical testing. Allele origin: germline.
Comment: Not observed at significant frequency in large population cohorts (gnomAD); In silico analysis suggests that this missense variant does not alter protein structure/function; Has not been previously published as pathogenic or benign to our knowledge

NM_152722.5(HEPACAM):c.853A>T (p.Asn285Tyr)

Gene: HEPACAM (hepatic and glial cell adhesion molecule; minus strand). Cytogenetic location: 11q24.2.
Variant type: single nucleotide variant.
Coding change: c.853A>T on transcript NM_152722.5 (MANE Select); coding-DNA position 853, A replaced by T.
Protein change: p.Asn285Tyr; replaces asparagine 285 with tyrosine.
Molecular consequence: missense variant.
Genome position (GRCh38, 1-based): chr11:124,922,769, T>A on the plus strand (A>T on the coding strand, the complement: HEPACAM is on the minus strand). VCF-style: chr11-124922769-T-A. GRCh37 (hg19) VCF-style: chr11-124792665-T-A.
Other names: c.853A>T, p.Asn285Tyr (NM_001411043.1, NM_001441320.1); short protein forms N285Y.
Identifiers: ClinVar variation 5009209 (VCV005009209.1).